The following is an entry in ClinVar:

NM_018095.6(KBTBD4):c.929_935delinsCCACATACAAGTT (p.Ile310_Arg312delinsThrThrTyrLysLeu)

Gene: KBTBD4 (kelch repeat and BTB domain containing 4; minus strand). Cytogenetic location: 11p11.2.
Variant type: Indel.
Coding change: c.929_935delinsCCACATACAAGTT on transcript NM_018095.6 (MANE Select); coding-DNA positions 929 to 935, TCCCACG replaced by CCACATACAAGTT.
Protein change: p.Ile310_Arg312delinsThrThrTyrLysLeu.
Molecular consequence: inframe indel.
Genome position (GRCh38, 1-based): chr11:47,573,600-47,573,606, CGTGGGA replaced by AACTTGTATGTGG on the plus strand (TCCCACG replaced by CCACATACAAGTT on the coding strand, the reverse complement: KBTBD4 is on the minus strand). VCF-style: chr11-47573600-CGTGGGA-AACTTGTATGTGG. GRCh37 (hg19) VCF-style: chr11-47595152-CGTGGGA-AACTTGTATGTGG.
Other names: c.1028_1034delinsCCACATACAAGTT, p.Ile343_Arg345delinsThrThrTyrLysLeu (NM_001318716.2); c.998_1004delinsCCACATACAAGTT, p.Ile333_Arg335delinsThrThrTyrLysLeu (NM_001318717.2); c.956_962delinsCCACATACAAGTT, p.Ile319_Arg321delinsThrThrTyrLysLeu (NM_001318718.2, NM_001318719.2); c.950_956delinsCCACATACAAGTT, p.Ile317_Arg319delinsThrThrTyrLysLeu (NM_001318720.2); c.881_887delinsCCACATACAAGTT, p.Ile294_Arg296delinsThrThrTyrLysLeu (NM_001318721.2, NM_001318722.2, NM_001318723.2 and 3 more transcripts).
Identifiers: ClinVar variation 4530478 (VCV004530478.1).

ClinVar aggregate classification (somatic clinical impact): Tier I - Strong (1 of 4 stars; one submission).

Conditions:
Medulloblastoma non-WNT/non-SHH. Identifiers: MedGen C4330667, MONDO:0850198.

Submission:

Institute for Genomic Medicine (IGM) Clinical Laboratory, Nationwide Children's Hospital
Classification: Tier I - Strong for Medulloblastoma non-WNT/non-SHH. Assertion type: diagnostic. Clinical significance: supports diagnosis. Last evaluated: 2025-08-25. Review status: criteria provided, single submitter. Criteria: AMP/ASCO/CAP Guidelines, 2017. Collection method: clinical testing. Allele origin: somatic. Affected: yes.
Comment: Variant has Tier I (strong) clinical significance as a diagnostic inclusion criterion in medulloblastoma non-WNT/non-SHH, based on the following evidence: 1) Appears in one or more well-established professional guidelines (e.g., World Health Organization [WHO]; National Comprehensive Cancer Network [NCCN]) as providing diagnostic, prognostic, or therapeutic information. 2) Diagnostic for a specific tumor type/classification based on well-powered studies with expert-level consensus (Evidence Level B; PMIDs: 35489737, 28726821, 33172502, 31574483).

Literature cited by the submitters: PubMed 35489737; PubMed 28726821; PubMed 33172502; PubMed 31574483.